The following is an entry in ClinVar:

NM_022124.6(CDH23):c.3430+1G>A

Genes: C10orf105 (chromosome 10 open reading frame 105; minus strand), CDH23 (cadherin related 23; plus strand). Cytogenetic location: 10q22.1.
Variant type: single nucleotide variant.
Coding change: c.3430+1G>A on transcript NM_022124.6 (MANE Select); the canonical splice donor site of the intron after coding-DNA position 3430, G replaced by A.
Molecular consequence: splice donor variant. On other transcripts: intron variant (1).
Genome position (GRCh38, 1-based): chr10:71,724,106, G>A. VCF-style: chr10-71724106-G-A. GRCh37 (hg19) VCF-style: chr10-73483863-G-A.
Other names: c.-5-7764C>T (NM_001168390.2); c.3430+1G>A (NM_001171930.2).
Identifiers: ClinVar variation 1498701 (VCV001498701.8), dbSNP rs2132800290, ClinGen allele CA377151446.

ClinVar aggregate classification (germline): Likely pathogenic (1 of 4 stars; one submission).

Submission:

Labcorp Genetics (formerly Invitae), Labcorp
Classification: Likely pathogenic. Last evaluated: 2021-04-10. Review status: criteria provided, single submitter. Criteria: Invitae Variant Classification Sherloc (09022015). Collection method: clinical testing. Allele origin: germline.
Comment: This variant has not been reported in the literature in individuals with CDH23-related conditions. This variant is not present in population databases (ExAC no frequency). This sequence change affects a donor splice site in intron 29 of the CDH23 gene. It is expected to disrupt RNA splicing. Variants that disrupt the donor or acceptor splice site typically lead to a loss of protein function (PMID: 16199547), and loss-of-function variants in CDH23 are known to be pathogenic (PMID: 11138009, 21940737). Algorithms developed to predict the effect of sequence changes on RNA splicing suggest that this variant may disrupt the consensus splice site, but this prediction has not been confirmed by published transcriptional studies. In summary, the currently available evidence indicates that the variant is pathogenic, but additional data are needed to prove that conclusively. Therefore, this variant has been classified as Likely Pathogenic.

Literature cited by the submitters: PubMed 16199547; PubMed 11138009; PubMed 21940737.